The following is an entry in ClinVar:

ClinVar aggregate classification (germline): Uncertain significance. Review status: criteria provided, multiple submitters, no conflicts (2 of 4 stars). 2 submissions from 2 submitters: Uncertain significance (2). Last evaluated 2026-07-04.

Conditions:
Familial thoracic aortic aneurysm and aortic dissection (TAAD). Also called: Thoracic aortic aneurysms and dissections. Identifiers: Orphanet 91387, MedGen C4707243, MONDO:0019625.
Loeys-Dietz syndrome (LDS). Identifiers: Orphanet 60030, MedGen C2697932, MONDO:0018954.

Allele frequency attached by ClinVar (database versions not stated): TOPMed 0.00001.

Submissions (2):

Ambry Genetics
Classification: Uncertain significance for Familial thoracic aortic aneurysm and aortic dissection. Last evaluated: 2026-07-04. Review status: criteria provided, single submitter. Criteria: Ambry Variant Classification Scheme 2023. Collection method: clinical testing. Allele origin: germline.
Comment: The p.P123A variant (also known as c.367C>G), located in coding exon 3 of the TGFBR1 gene, results from a C to G substitution at nucleotide position 367. The proline at codon 123 is replaced by alanine, an amino acid with highly similar properties. This amino acid position is conserved. In addition, the in silico prediction for this alteration is inconclusive. Based on the available evidence, the clinical significance of this variant remains unclear.

All of Us Research Program, National Institutes of Health
Classification: Uncertain significance for Loeys-Dietz syndrome. Last evaluated: 2024-02-05. Review status: criteria provided, single submitter. Criteria: ACMG Guidelines, 2015. Collection method: clinical testing. Allele origin: germline. Inheritance: Autosomal dominant inheritance. Observed: 1 variant allele, 1 heterozygote.
Comment: This missense variant replaces proline with alanine at codon 123 of the TGFBR1 protein. Computational prediction is inconclusive regarding the impact of this variant on protein structure and function (internally defined REVEL score threshold 0.5 < inconclusive < 0.7, PMID: 27666373). To our knowledge, functional studies have not been reported for this variant. This variant has not been reported in individuals affected with TGFBR1-related disorders in the literature. This variant has not been identified in the general population by the Genome Aggregation Database (gnomAD). The available evidence is insufficient to determine the role of this variant in disease conclusively. Therefore, this variant is classified as a Variant of Uncertain Significance.

This study involves interpretation of variants in research participants for the purpose of population health screening. Participant phenotype was not available at the time of variant classification. Additional details can be found in publication PMID: 35346344, PMCID: PMC8962531

NM_004612.4(TGFBR1):c.367C>G (p.Pro123Ala)

Gene: TGFBR1 (transforming growth factor beta receptor 1; plus strand). Cytogenetic location: 9q22.33.
Variant type: single nucleotide variant.
Coding change: c.367C>G on transcript NM_004612.4 (MANE Select); coding-DNA position 367, C replaced by G.
Protein change: p.Pro123Ala; replaces proline 123 with alanine.
Molecular consequence: missense variant. On other transcripts: intron variant (3), non-coding transcript variant (4).
Genome position (GRCh38, 1-based): chr9:99,132,532, C>G. VCF-style: chr9-99132532-C-G. GRCh37 (hg19) VCF-style: chr9-101894814-C-G.
Other names: c.367C>G (NM_004612.2); c.172C>G, p.Pro58Ala (NM_001407422.1, NM_001407418.1, NM_001407419.1 and 1 more transcripts); c.160C>G, p.Pro54Ala (NM_001407423.1, NM_001407424.1, NM_001407425.1 and 8 more transcripts); c.98-10004C>G (NM_001407437.1); c.379C>G, p.Pro127Ala (NM_001306210.2, NM_001407416.1); c.367C>G, p.Pro123Ala (NM_001407417.1, NM_001407435.1); c.121C>G, p.Pro41Ala (NM_001407436.1); c.343+3432C>G (NM_001130916.3); and 1 more; short protein forms P123A, P127A, P41A, P54A, P58A.
Identifiers: ClinVar variation 3075446 (VCV003075446.2), dbSNP rs1554699525, ClinGen allele CA374227815.